The following is an entry in ClinVar:

ClinVar aggregate classification (germline): Uncertain significance (1 of 4 stars; one submission).

gnomAD v4.1: 2 of 1,354,958 alleles (0.00015%); highest among the groups gnomAD compares: Non-Finnish European, 0.000096%; no homozygotes.

Submission:

Women's Health and Genetics/Laboratory Corporation of America, LabCorp
Classification: Uncertain significance. Last evaluated: 2025-06-05. Review status: criteria provided, single submitter. Criteria: LabCorp Variant Classification Summary - May 2015. Collection method: clinical testing. Allele origin: germline.
Comment: Variant summary: TWIST1 c.118C>T (p.Arg40Cys) results in a non-conservative amino acid change in the encoded protein sequence. Algorithms developed to predict the effect of missense changes on protein structure and function are either unavailable or do not agree on the potential impact of this missense change. The frequency data for this variant in gnomAD is considered unreliable, as metrics indicate poor data quality at this position. To our knowledge, no occurrence of c.118C>T in individuals affected with TWIST1-Related Disorders and no experimental evidence demonstrating its impact on protein function have been reported. No submitters have cited clinical-significance assessments for this variant to ClinVar. Based on the evidence outlined above, the variant was classified as uncertain significance.

NM_000474.4(TWIST1):c.118C>T (p.Arg40Cys)

Gene: TWIST1 (twist family bHLH transcription factor 1; minus strand). Cytogenetic location: 7p21.1.
Variant type: single nucleotide variant.
Coding change: c.118C>T on transcript NM_000474.4 (MANE Select); coding-DNA position 118, C replaced by T.
Protein change: p.Arg40Cys; replaces arginine 40 with cysteine.
Molecular consequence: missense variant. On other transcripts: non-coding transcript variant (1).
Genome position (GRCh38, 1-based): chr7:19,117,204, G>A on the plus strand (C>T on the coding strand, the complement: TWIST1 is on the minus strand). VCF-style: chr7-19117204-G-A. GRCh37 (hg19) VCF-style: chr7-19156827-G-A.
Other names: short protein forms R40C.
Identifiers: ClinVar variation 3907375 (VCV003907375.1).